The following is an entry in ClinVar:

NM_015102.5(NPHP4):c.740C>G (p.Thr247Ser)

Gene: NPHP4 (nephrocystin 4; minus strand). Cytogenetic location: 1p36.31.
Variant type: single nucleotide variant.
Coding change: c.740C>G on transcript NM_015102.5 (MANE Select); coding-DNA position 740, C replaced by G.
Protein change: p.Thr247Ser; replaces threonine 247 with serine.
Molecular consequence: missense variant. On other transcripts: 5 prime UTR variant (1), non-coding transcript variant (1), intron variant (1).
Genome position (GRCh38, 1-based): chr1:5,952,770, G>C on the plus strand (C>G on the coding strand, the complement: NPHP4 is on the minus strand). VCF-style: chr1-5952770-G-C. GRCh37 (hg19) VCF-style: chr1-6012830-G-C.
Other names: c.-627C>G (NM_001291594.2); c.-556-4519C>G (NM_001291593.2); short protein forms T247S.
Identifiers: ClinVar variation 4984031 (VCV004984031.1).

ClinVar aggregate classification (germline): Uncertain significance (1 of 4 stars; one submission).

Conditions:
NPHP4-related disorder. Also called: NPHP4-related disorders; NPHP4-related condition. Identifiers: MedGen CN239384.

gnomAD v4.1: 22 of 1,584,008 alleles (0.0014%); highest among the groups gnomAD compares: Non-Finnish European, 0.0019%; no homozygotes.

Submission:

PreventionGenetics, part of Exact Sciences
Classification: Uncertain significance for NPHP4-related condition. Last evaluated: 2026-07-01. Review status: criteria provided, single submitter. Criteria: ACMG Guidelines, 2015. Collection method: clinical testing. Allele origin: germline.
Comment: The NPHP4 c.740C>G variant is predicted to result in the amino acid substitution p.Thr247Ser. To our knowledge, this variant has not been reported in the literature or in a large population database (gnomAD), indicating this variant is rare. At this time, the clinical significance of this variant is uncertain due to the absence of conclusive functional and genetic evidence.